The following is an entry in ClinVar:

ClinVar aggregate classification (germline): Pathogenic (1 of 4 stars; one submission).

Submission:

Labcorp Genetics (formerly Invitae), Labcorp
Classification: Pathogenic. Last evaluated: 2024-12-18. Review status: criteria provided, single submitter. Criteria: Invitae Variant Classification Sherloc (09022015). Collection method: clinical testing. Allele origin: germline.
Comment: This sequence change creates a premature translational stop signal (p.Lys654Asnfs*43) in the C2CD3 gene. It is expected to result in an absent or disrupted protein product. Loss-of-function variants in C2CD3 are known to be pathogenic (PMID: 24997988, 26477546). The frequency data for this variant in the population databases is considered unreliable, as metrics indicate poor data quality at this position in the gnomAD database. This variant has not been reported in the literature in individuals affected with C2CD3-related conditions. This variant is also known as c.1962+1del. Algorithms developed to predict the effect of sequence changes on RNA splicing suggest that this variant may disrupt the consensus splice site. For these reasons, this variant has been classified as Pathogenic.

Literature cited by the submitters: PubMed 24997988; PubMed 26477546.

NM_001286577.2(C2CD3):c.1962+1del

Gene: C2CD3 (C2 domain containing 3 centriole elongation regulator; minus strand). Cytogenetic location: 11q13.4.
Variant type: Deletion.
Coding change: c.1962+1del on transcript NM_001286577.2 (MANE Select); the canonical splice donor site of the intron after coding-DNA position 1962, one base deleted (G; older notation c.1962+1delG).
Molecular consequence: splice donor variant.
Genome position (GRCh38, 1-based): chr11:74,109,033, C deleted on the plus strand (G on the coding strand, the reverse complement: C2CD3 is on the minus strand); the first of 2 consecutive C bases (chr11:74,109,033-74,109,034); deleting either gives the same sequence. VCF-style (leftmost placement, unchanged base first): chr11-74109032-AC-A. GRCh37 (hg19) VCF-style: chr11-73820077-AC-A.
Other names: c.1962+1del (NM_015531.6).
Identifiers: ClinVar variation 3616021 (VCV003616021.2).
Genomic context (GRCh38, chr11:74,109,032, plus strand): 5'-TTTAGGTATCCTCCAAATCCCTAGTGTGAAGGTAAGGCAAAGGCCAAAATCACTCAAAGT[AC>A]CTTTTTCTGTGGAGTTTTCTTTACATAAATTTGGAAAGTGAGGTTGGAATTCCACCAGTG-3'